The following is an entry in ClinVar:

NM_006744.4(RBP4):c.400G>A (p.Val134Met)

Gene: RBP4 (retinol binding protein 4; minus strand). Cytogenetic location: 10q23.33.
Variant type: single nucleotide variant.
Coding change: c.400G>A on transcript NM_006744.4 (MANE Select); coding-DNA position 400, G replaced by A.
Protein change: p.Val134Met; replaces valine 134 with methionine.
Molecular consequence: missense variant.
Genome position (GRCh38, 1-based): chr10:93,593,991, C>T on the plus strand (G>A on the coding strand, the complement: RBP4 is on the minus strand). VCF-style: chr10-93593991-C-T. GRCh37 (hg19) VCF-style: chr10-95353748-C-T.
Other names: c.400G>A (NM_006744.3); c.400G>A, p.Val134Met (NM_001323517.1); c.394G>A, p.Val132Met (NM_001323518.2); short protein forms V132M, V134M.
Identifiers: ClinVar variation 1002888 (VCV001002888.11), dbSNP rs557609728, ClinGen allele CA5609562.
Genomic context (GRCh38, chr10:93,593,991, plus strand): 5'-CGAAGGAGTAGCTGTCAGCACAGGTGCCATCGAGGTTCAGGAGGCGGCAGGAGTACTGCA[C>T]GGCATACGTGTCGTAGTCTGTGTCGACGATCCAGTGGTCATCATCTGCAAGCCAGAAAGC-3'
Protein context (NP_006735.2, residues 124-144): IVDTDYDTYA[Val134Met]QYSCRLLNLD

ClinVar aggregate classification (germline): Uncertain significance. Review status: criteria provided, multiple submitters, no conflicts (2 of 4 stars). 3 submissions from 3 submitters: Uncertain significance (3). Last evaluated 2025-08-29.

Conditions:
Inborn genetic diseases. Identifiers: MedGen C0950123, MeSH D030342.

Allele frequency attached by ClinVar (database versions not stated): gnomAD 0.00001 and 0.00002; TOPMed 0.00001; ExAC 0.00002; gnomAD exomes 0.00002; 1000 Genomes Project 30x 0.00016; 1000 Genomes Project 0.00020.
gnomAD v4.1: 22 of 1,613,872 alleles (0.0014%); highest among the groups gnomAD compares: Middle Eastern, 0.017%; no homozygotes.

Submissions (3):

Labcorp Genetics (formerly Invitae), Labcorp
Classification: Uncertain significance. Last evaluated: 2025-08-29. Review status: criteria provided, single submitter. Criteria: Invitae Variant Classification Sherloc (09022015). Collection method: clinical testing. Allele origin: germline.
Comment: This sequence change replaces valine, which is neutral and non-polar, with methionine, which is neutral and non-polar, at codon 134 of the RBP4 protein (p.Val134Met). This variant is present in population databases (rs557609728, gnomAD 0.01%). This variant has not been reported in the literature in individuals affected with RBP4-related conditions. ClinVar contains an entry for this variant (Variation ID: 1002888). An algorithm developed to predict the effect of missense changes on protein structure and function (PolyPhen-2) suggests that this variant is likely to be disruptive. In summary, the available evidence is currently insufficient to determine the role of this variant in disease. Therefore, it has been classified as a Variant of Uncertain Significance.

Blueprint Genetics
Classification: Uncertain significance. Last evaluated: 2024-09-06. Review status: criteria provided, single submitter. Criteria: ACMG Guidelines, 2015. Collection method: clinical testing. Allele origin: germline.

Ambry Genetics
Classification: Uncertain significance for Inborn genetic diseases. Last evaluated: 2022-11-21. Review status: criteria provided, single submitter. Criteria: Ambry Variant Classification Scheme 2023. Collection method: clinical testing. Allele origin: germline.